The following is an entry in ClinVar:

NM_007294.4(BRCA1):c.5153-77_5193+4del

Gene: BRCA1 (BRCA1 DNA repair associated; minus strand). Cytogenetic location: 17q21.31.
Variant type: Deletion.
Coding change: c.5153-77_5193+4del on transcript NM_007294.4 (MANE Select); 77 bases into the intron before coding-DNA position 5153 through 4 bases into the intron after coding-DNA position 5193, 122 bases deleted.
Molecular consequence: splice acceptor variant, splice donor variant.
Genome position (GRCh38, 1-based): chr17:43,063,329-43,063,450, 122 bases deleted. GRCh37 (hg19): chr17:41,215,348-41,215,469.
Other names: c.1700-77_1740+4del (NM_001408458.1, NM_001408461.1, NM_001408464.1 and 7 more transcripts); c.4262-77_4302+4del (NM_001407967.1); c.4772-77_4812+4del (NM_001407959.1); c.4886-77_4926+4del (NM_001407931.1, NM_001407932.1, NM_001407928.1 and 4 more transcripts); c.5009-77_5049+4del (NM_001407747.1, NM_001407745.1, NM_001407737.1 and 21 more transcripts); c.4769-77_4809+4del (NM_001407962.1, NM_001407960.1); c.1340-77_1380+4del (NM_001408512.1); c.1463-77_1503+4del (NM_001408510.1); and 72 more.
Identifiers: ClinVar variation 1049561 (VCV001049561.2), dbSNP rs2153552671, ClinGen allele CA2499224372.

ClinVar aggregate classification (germline): Pathogenic (0 of 4 stars; one submission).

Conditions:
Breast-ovarian cancer, familial, susceptibility to, 1 (BROVCA1). Also called: BRCA1 Hereditary Breast and Ovarian Cancer; OVARIAN CANCER, SUSCEPTIBILITY TO. Identifiers: Orphanet 145, MedGen C2676676, MONDO:0011450, OMIM 604370. Disease mechanism: loss of function.

Submission:

Department of Pathology and Laboratory Medicine, Sinai Health System
Classification: Pathogenic for Breast-ovarian cancer, familial, susceptibility to, 1. Review status: no assertion criteria provided. Collection method: clinical testing. Allele origin: unknown. Affected: yes. Study: The Canadian Open Genetics Repository (COGR).
Comment: The c.5075-?_5193+?del deletion variant (g.41215350-?_41215968+?del (Genome assembly: GRCh37)) or deletion of exons 18 and 19 is predicted to cause a frameshift and lead to a stop codon downstream (p.Asp1692AlafsX2), although the precise breakpoints of this deletion were not determined, nor was the resulting effect on the mRNA or protein product verified. Deletions of exons 18 and 19 have been previously reported in the literature in individuals of European background including Italian and Czech (Vasickova 2007, Montagna 2003, Buffone 2007). One study suggests that this variant may have occurred due to an Alu repeat mediated deletion (Vasickova 2007). In another study, the variant presumably caused nonsense mediated RNA degradation of the truncating mutation bearing transcript, increasing the likelihood this variant may be pathogenic (Montagna 2003). This alteration is predicted to result in a truncated or absent protein and loss of function. Loss of function variants of the BRCA1 gene are an established mechanism of disease in hereditary breast and ovarian cancer and is the type of variant expected to cause the disorder. In summary, based on the above information, this variant is classified as pathogenic.